The following is an entry in ClinVar:

NM_000553.6(WRN):c.1201G>A (p.Glu401Lys)

Gene: WRN (WRN RecQ like helicase; plus strand). Cytogenetic location: 8p12.
Variant type: single nucleotide variant.
Coding change: c.1201G>A on transcript NM_000553.6 (MANE Select); coding-DNA position 1201, G replaced by A.
Protein change: p.Glu401Lys; replaces glutamic acid 401 with lysine.
Molecular consequence: missense variant.
Genome position (GRCh38, 1-based): chr8:31,081,228, G>A. VCF-style: chr8-31081228-G-A. GRCh37 (hg19) VCF-style: chr8-30938744-G-A.
Other names: short protein forms E401K.
Identifiers: ClinVar variation 655651 (VCV000655651.4), dbSNP rs1427377228, ClinGen allele CA370921229.

ClinVar aggregate classification (germline): Uncertain significance (1 of 4 stars; one submission).

Conditions:
Werner syndrome (WRN). Identifiers: Orphanet 902, MedGen C0043119, MONDO:0010196, OMIM 277700.

Allele frequency attached by ClinVar (database versions not stated): gnomAD exomes below 0.00001; gnomAD 0.00001.
gnomAD v4.1: 2 of 1,612,854 alleles (0.00012%); highest among the groups gnomAD compares: Non-Finnish European, 0.00017%; no homozygotes.

Submission:

Labcorp Genetics (formerly Invitae), Labcorp
Classification: Uncertain significance for Werner syndrome. Last evaluated: 2018-10-03. Review status: criteria provided, single submitter. Criteria: Invitae Variant Classification Sherloc (09022015). Collection method: clinical testing. Allele origin: germline.
Comment: This variant has not been reported in the literature in individuals with WRN-related disease. Algorithms developed to predict the effect of missense changes on protein structure and function are either unavailable or do not agree on the potential impact of this missense change (SIFT: "Deleterious"; PolyPhen-2: "Probably Damaging"; Align-GVGD: "Class C0"). In summary, the available evidence is currently insufficient to determine the role of this variant in disease. Therefore, it has been classified as a Variant of Uncertain Significance. This variant is not present in population databases (ExAC no frequency). This sequence change replaces glutamic acid with lysine at codon 401 of the WRN protein (p.Glu401Lys). The glutamic acid residue is moderately conserved and there is a small physicochemical difference between glutamic acid and lysine.